The following is an entry in ClinVar:

ClinVar aggregate classification (germline): Uncertain significance (1 of 4 stars; one submission).

Conditions:
Inborn genetic diseases. Identifiers: MedGen C0950123, MeSH D030342.

Submission:

Ambry Genetics
Classification: Uncertain significance for Inborn genetic diseases. Last evaluated: 2024-05-22. Review status: criteria provided, single submitter. Criteria: Ambry Variant Classification Scheme 2023. Collection method: clinical testing. Allele origin: germline.
Comment: The p.V700A variant (also known as c.2099T>C), located in coding exon 13 of the EPAS1 gene, results from a T to C substitution at nucleotide position 2099. The valine at codon 700 is replaced by alanine, an amino acid with similar properties. This amino acid position is conserved. In addition, this alteration is predicted to be tolerated by in silico analysis. Based on the available evidence, the clinical significance of this variant remains unclear.

NM_001430.5(EPAS1):c.2099T>C (p.Val700Ala)

Gene: EPAS1 (endothelial PAS domain protein 1; plus strand). Cytogenetic location: 2p21.
Variant type: single nucleotide variant.
Coding change: c.2099T>C on transcript NM_001430.5 (MANE Select); coding-DNA position 2099, T replaced by C.
Protein change: p.Val700Ala; replaces valine 700 with alanine.
Molecular consequence: missense variant.
Genome position (GRCh38, 1-based): chr2:46,381,649, T>C. VCF-style: chr2-46381649-T-C. GRCh37 (hg19) VCF-style: chr2-46608788-T-C.
Other names: short protein forms V700A.
Identifiers: ClinVar variation 3275669 (VCV003275669.1).
Genomic context (GRCh38, chr2:46,381,649, plus strand): 5'-TTGGCAGGTCTGCAAAGGGTTTTGGGGCTCGAGGCCCAGACGTGCTGAGTCCGGCCATGG[T>C]AGCCCTCTCCAACAAGCTGAAGCTGAAGCGACAGCTGGAGTATGAAGAGCAAGCCTTCCA-3'
Protein context (NP_001421.2, residues 690-710): RGPDVLSPAM[Val700Ala]ALSNKLKLKR